The following is an entry in ClinVar:

NM_019112.4(ABCA7):c.3039T>A (p.Gly1013=)

Gene: ABCA7 (ATP binding cassette subfamily A member 7; plus strand). Cytogenetic location: 19p13.3.
Variant type: single nucleotide variant.
Coding change: c.3039T>A on transcript NM_019112.4 (MANE Select); coding-DNA position 3039, T replaced by A.
Protein change: p.Gly1013=; no amino-acid change (glycine 1013 retained).
Molecular consequence: synonymous variant.
Genome position (GRCh38, 1-based): chr19:1,052,018, T>A. VCF-style: chr19-1052018-T-A. GRCh37 (hg19) VCF-style: chr19-1052017-T-A.
Identifiers: ClinVar variation 3054767 (VCV003054767.2), dbSNP rs377541682, ClinGen allele CA9033872.

ClinVar aggregate classification (germline): Likely benign (0 of 4 stars; one submission).

Conditions:
ABCA7-related disorder. Also called: ABCA7-related condition.

Allele frequency attached by ClinVar (database versions not stated): gnomAD 0.00015; TOPMed 0.00017; ESP Exome Variant Server 0.00023.
gnomAD v4.1: 308 of 1,611,864 alleles (0.019%); highest among the groups gnomAD compares: Admixed American, 0.055%; 1 homozygote.

Submission:

PreventionGenetics, part of Exact Sciences
Classification: Likely benign for ABCA7-related condition. Last evaluated: 2020-06-17. Review status: no assertion criteria provided. Collection method: clinical testing. Allele origin: germline.
Comment: This variant is classified as likely benign based on ACMG/AMP sequence variant interpretation guidelines (Richards et al. 2015 PMID: 25741868, with internal and published modifications).